The following is an entry in ClinVar:

ClinVar aggregate classification (germline): Likely benign (1 of 4 stars; one submission).

Conditions:
Arrhythmogenic right ventricular dysplasia 10. Also called: Arrhythmogenic Right Ventricular Dysplasia/Cardiomyopathy10; ARRHYTHMOGENIC RIGHT VENTRICULAR DYSPLASIA, FAMILIAL, 10; Arrhythmogenic right ventricular dysplasia/cardiomyopathy, type 10. Identifiers: MedGen C1857777, MONDO:0012434, OMIM 610193.

Allele frequency attached by ClinVar (database versions not stated): gnomAD 0.00012 and 0.00014; TOPMed 0.00039; 1000 Genomes Project 0.00040; 1000 Genomes Project 30x 0.00094.
gnomAD v4.1: 21 of 152,360 alleles (0.014%); highest among the groups gnomAD compares: Admixed American, 0.14%; no homozygotes.

Submission:

Illumina Laboratory Services, Illumina
Classification: Likely benign for Arrhythmogenic right ventricular dysplasia 10. Last evaluated: 2018-01-13. Review status: criteria provided, single submitter. Criteria: ICSL Variant Classification Criteria 13 December 2019. Collection method: clinical testing. Allele origin: germline.
Comment: This variant was observed in the ICSL laboratory as part of a predisposition screen in an ostensibly healthy population. It had not been previously curated by ICSL or reported in the Human Gene Mutation Database (HGMD: prior to June 1st, 2018), and was therefore a candidate for classification through an automated scoring system. Utilizing variant allele frequency, disease prevalence and penetrance estimates, and inheritance mode, an automated score was calculated to assess if this variant is too frequent to cause the disease. Based on the score and internal cut-off values, a variant classified as likely benign is not then subjected to further curation. The score for this variant resulted in a classification of likely benign for this disease.

NM_001943.5(DSG2):c.*1596T>C

Genes: DSG2-AS1 (DSG2 antisense RNA 1; minus strand), DSG2 (desmoglein 2; plus strand). Cytogenetic location: 18q12.1.
Variant type: single nucleotide variant.
Coding change: c.*1596T>C on transcript NM_001943.5 (MANE Select); 1596 bases downstream of the stop codon, T replaced by C.
Molecular consequence: 3 prime UTR variant.
Genome position (GRCh38, 1-based): chr18:31,548,339, T>C. VCF-style: chr18-31548339-T-C. GRCh37 (hg19) VCF-style: chr18-29128302-T-C.
Identifiers: ClinVar variation 890295 (VCV000890295.4), dbSNP rs549396103, ClinGen allele CA297703603.